The following is an entry in ClinVar:

NM_005546.4(ITK):c.713A>C (p.Glu238Ala)

Gene: ITK (IL2 inducible T cell kinase; plus strand). Cytogenetic location: 5q33.3.
Variant type: single nucleotide variant.
Coding change: c.713A>C on transcript NM_005546.4 (MANE Select); coding-DNA position 713, A replaced by C.
Protein change: p.Glu238Ala; replaces glutamic acid 238 with alanine.
Molecular consequence: missense variant.
Genome position (GRCh38, 1-based): chr5:157,228,361, A>C. VCF-style: chr5-157228361-A-C. GRCh37 (hg19) VCF-style: chr5-156655371-A-C.
Other names: short protein forms E238A.
Identifiers: ClinVar variation 2129928 (VCV002129928.4), dbSNP rs1754579589, ClinGen allele CA361954800.
Genomic context (GRCh38, chr5:157,228,361, plus strand): 5'-AAGGATATGTACCAAGCAGTTATCTGGTGGAAAAATCTCCAAATAATCTGGAAACCTATG[A>C]GTAAGATATTTTATTTGTTTTTGGAAAATACAGTCCTAAGGAATCCTCCTTAAGTTAGGA-3'
Protein context (NP_005537.3, residues 228-248): EKSPNNLETY[Glu238Ala]WYNKSISRDK

ClinVar aggregate classification (germline): Uncertain significance (1 of 4 stars; one submission).

Conditions:
Lymphoproliferative syndrome 1 (LPFS1). Identifiers: Orphanet 238505, Orphanet 538963, MedGen C3552634, MONDO:0013081, OMIM 613011.

Allele frequency attached by ClinVar (database versions not stated): gnomAD 0.00001; TOPMed 0.00001.
gnomAD v4.1: 1 of 1,565,610 alleles (0.000064%); highest among the groups gnomAD compares: African/African-American, 0.0014%; no homozygotes.

Submission:

Labcorp Genetics (formerly Invitae), Labcorp
Classification: Uncertain significance for Lymphoproliferative syndrome 1. Last evaluated: 2024-01-29. Review status: criteria provided, single submitter. Criteria: Invitae Variant Classification Sherloc (09022015). Collection method: clinical testing. Allele origin: germline.
Comment: This sequence change replaces glutamic acid, which is acidic and polar, with alanine, which is neutral and non-polar, at codon 238 of the ITK protein (p.Glu238Ala). This variant is not present in population databases (gnomAD no frequency). This variant has not been reported in the literature in individuals affected with ITK-related conditions. ClinVar contains an entry for this variant (Variation ID: 2129928). An algorithm developed to predict the effect of missense changes on protein structure and function (PolyPhen-2) suggests that this variant is likely to be tolerated. In summary, the available evidence is currently insufficient to determine the role of this variant in disease. Therefore, it has been classified as a Variant of Uncertain Significance.